The following is an entry in ClinVar:

NM_020461.4(TUBGCP6):c.4473G>A (p.Pro1491=)

Gene: TUBGCP6 (tubulin gamma complex component 6; minus strand). Cytogenetic location: 22q13.33.
Variant type: single nucleotide variant.
Coding change: c.4473G>A on transcript NM_020461.4 (MANE Select); coding-DNA position 4473, G replaced by A.
Protein change: p.Pro1491=; no amino-acid change (proline 1491 retained).
Molecular consequence: synonymous variant.
Genome position (GRCh38, 1-based): chr22:50,219,299, C>T on the plus strand (G>A on the coding strand, the complement: TUBGCP6 is on the minus strand). VCF-style: chr22-50219299-C-T. GRCh37 (hg19) VCF-style: chr22-50657728-C-T.
Other names: c.4473G>A (NM_020461.3).
Identifiers: ClinVar variation 1545060 (VCV001545060.10), dbSNP rs553272855, ClinGen allele CA10307501.

ClinVar aggregate classification (germline): Likely benign. Review status: criteria provided, single submitter (1 of 4 stars). 2 submissions from 2 submitters: Likely benign (1). 1 of the submissions does not count toward it. Last evaluated 2025-07-14.

Conditions:
TUBGCP6-related disorder. Also called: TUBGCP6-related condition.

Allele frequency attached by ClinVar (database versions not stated): gnomAD exomes 0.00011 and 0.00009; ExAC 0.00014; 1000 Genomes Project 30x 0.00016; 1000 Genomes Project 0.00020; gnomAD 0.00007 and 0.00009; TOPMed 0.00007.
gnomAD v4.1: 164 of 1,603,242 alleles (0.01%); highest among the groups gnomAD compares: Middle Eastern, 0.017%; no homozygotes.

Submissions (2):

Labcorp Genetics (formerly Invitae), Labcorp
Classification: Likely benign. Last evaluated: 2025-07-14. Review status: criteria provided, single submitter. Criteria: Invitae Variant Classification Sherloc (09022015). Collection method: clinical testing. Allele origin: germline.

PreventionGenetics, part of Exact Sciences
Classification: Likely benign for TUBGCP6-related condition. Last evaluated: 2019-06-03. Review status: no assertion criteria provided. Collection method: clinical testing. Allele origin: germline. Not counted in ClinVar's aggregate classification.
Comment: This variant is classified as likely benign based on ACMG/AMP sequence variant interpretation guidelines (Richards et al. 2015 PMID: 25741868, with internal and published modifications).